The following is an entry in ClinVar:

ClinVar aggregate classification (germline): Likely benign (1 of 4 stars; one submission).

Conditions:
ACE-related disorder. Also called: ACE-related disorders; ACE-related condition.

Submission:

PreventionGenetics, part of Exact Sciences
Classification: Likely benign for ACE-related condition. Last evaluated: 2026-06-25. Review status: criteria provided, single submitter. Criteria: ACMG Guidelines, 2015. Collection method: clinical testing. Allele origin: germline.
Comment: This variant is classified as likely benign based on ACMG/AMP sequence variant interpretation guidelines (Richards et al. 2015 PMID: 25741868, with internal and published modifications).

NM_000789.4(ACE):c.1947C>T (p.Ala649=)

Gene: ACE (angiotensin I converting enzyme; plus strand). Cytogenetic location: 17q23.3.
Variant type: single nucleotide variant.
Coding change: c.1947C>T on transcript NM_000789.4 (MANE Select); coding-DNA position 1947, C replaced by T.
Protein change: p.Ala649=; no amino-acid change (alanine 649 retained).
Molecular consequence: synonymous variant. On other transcripts: 5 prime UTR variant (1), non-coding transcript variant (1).
Genome position (GRCh38, 1-based): chr17:63,485,261, C>T. VCF-style: chr17-63485261-C-T. GRCh37 (hg19) VCF-style: chr17-61562622-C-T.
Other names: c.225C>T, p.Ala75= (NM_001178057.2, NM_152830.3); c.1380C>T, p.Ala460= (NM_001382700.1); c.1095C>T, p.Ala365= (NM_001382701.1); c.-124C>T (NM_001382702.1).
Identifiers: ClinVar variation 4989392 (VCV004989392.1).
Genomic context (GRCh38, chr17:63,485,261, plus strand): 5'-GAGGTTTGTCTGTTTCCCTGCACTCTGTCCCACAGACCTGGTGACTGATGAGGCTGAGGC[C>T]AGCAAGTTTGTGGAGGAATATGACCGGACATCCCAGGTGGTGTGGAACGAGTATGCCGAG-3'
Protein context (NP_000780.1, residues 639-659): GIDLVTDEAE[Ala649=]SKFVEEYDRT